The following is an entry in ClinVar:

NM_001927.4(DES):c.1385_1386delinsAG (p.Ala462Glu)

Gene: DES (desmin; plus strand). Cytogenetic location: 2q35.
Variant type: Indel.
Coding change: c.1385_1386delinsAG on transcript NM_001927.4 (MANE Select); coding-DNA positions 1385 to 1386, CC replaced by AG.
Protein change: p.Ala462Glu; replaces alanine 462 with glutamic acid.
Molecular consequence: missense variant.
Genome position (GRCh38, 1-based): chr2:219,425,962-219,425,963, CC replaced by AG. VCF-style: chr2-219425962-CC-AG. GRCh37 (hg19) VCF-style: chr2-220290684-CC-AG.
Other names: c.1385_1386delinsAG (LRG_380t1); short protein forms A462E.
Identifiers: ClinVar variation 411144 (VCV000411144.9), dbSNP rs1060503170, ClinGen allele CA16610673.
Genomic context (GRCh38, chr2:219,425,962, plus strand): 5'-ATTCTCTGGCTAGCACATGGTTGGACTGGGCTTCTCTTCCTCCCCAGGTCGTCAGTGAGG[CC>AG]ACACAGCAGCAGCATGAAGTGCTCTAAAGACAGAGACCCTCTGCCACCAGAGACCGTCCT-3'
Protein context (NP_001918.3, residues 452-470): ETRDGEVVSE[Ala462Glu]TQQQHEVL

ClinVar aggregate classification (germline): Uncertain significance. Review status: criteria provided, multiple submitters, no conflicts (2 of 4 stars). 2 submissions from 2 submitters: Uncertain significance (2). Last evaluated 2025-12-24.

Conditions:
Desmin-related myofibrillar myopathy (MFM1). Also called: Desminopathy; Desmin related myopathy (former name); Desmin storage myopathy (former name); MYOFIBRILLAR MYOPATHY WITH ARRHYTHMOGENIC RIGHT VENTRICULAR CARDIOMYOPATHY; DESMIN-RELATED MYOPATHY WITH ARRHYTHMOGENIC RIGHT VENTRICULAR CARDIOMYOPATHY; Myofibrillar myopathy 1. Identifiers: Orphanet 363543, Orphanet 98909, MedGen C1832370, MONDO:0011076, OMIM 601419.

Submissions (2):

Labcorp Genetics (formerly Invitae), Labcorp
Classification: Uncertain significance for Desmin-related myofibrillar myopathy. Last evaluated: 2025-12-24. Review status: criteria provided, single submitter. Criteria: Invitae Variant Classification Sherloc (09022015). Collection method: clinical testing. Allele origin: germline.
Comment: This sequence change replaces alanine, which is neutral and non-polar, with glutamic acid, which is acidic and polar, at codon 462 of the DES protein (p.Ala462Glu). This variant is present in population databases (no rsID available, gnomAD 0.0004%). This variant has not been reported in the literature in individuals affected with DES-related conditions. ClinVar contains an entry for this variant (Variation ID: 411144). An algorithm developed to predict the effect of missense changes on protein structure and function (PolyPhen-2) suggests that this variant is likely to be tolerated. In summary, the available evidence is currently insufficient to determine the role of this variant in disease. Therefore, it has been classified as a Variant of Uncertain Significance.

GeneDx
Classification: Uncertain significance. Last evaluated: 2019-06-11. Review status: criteria provided, single submitter. Criteria: GeneDx Variant Classification Process June 2021. Collection method: clinical testing. Allele origin: germline. Affected: yes.
Comment: Has not been previously published as pathogenic or benign to our knowledge; Not observed at a significant frequency in large population cohorts (Lek et al., 2016); Reported as a variant of uncertain significance in ClinVar but additional evidence is not available (ClinVar Variant ID#411144; Landrum et al., 2016); Deletion of two nucleotides and insertion of two nucleotides that results in the in frame substitution of one amino acid residue; in silico analysis, which includes protein predictors and evolutionary conservation, supports that this variant does not alter protein structure/function